The following is an entry in ClinVar:

NM_002691.4(POLD1):c.43_44insTTG (p.Pro15delinsLeuAla)

Gene: POLD1 (DNA polymerase delta 1, catalytic subunit; plus strand). Cytogenetic location: 19q13.33.
Variant type: Insertion.
Coding change: c.43_44insTTG on transcript NM_002691.4 (MANE Select); coding-DNA positions 43 to 44, TTG inserted.
Protein change: p.Pro15delinsLeuAla.
Molecular consequence: inframe indel. On other transcripts: non-coding transcript variant (1).
Genome position: GRCh38 VCF-style: chr19-50398894-C-CTTG. GRCh37 (hg19) VCF-style: chr19-50902151-C-CTTG.
Other names: c.43_44insTTG, p.Pro15delinsLeuAla (NM_001256849.1, NM_001308632.1).
Identifiers: ClinVar variation 847274 (VCV000847274.12), dbSNP rs2038470850, ClinGen allele CA916082461.

ClinVar aggregate classification (germline): Uncertain significance. Review status: criteria provided, multiple submitters, no conflicts (2 of 4 stars). 2 submissions from 2 submitters: Uncertain significance (2). Last evaluated 2025-08-21.

Conditions:
Hereditary cancer-predisposing syndrome. Also called: Tumor predisposition; Hereditary Cancer Syndrome; Hereditary neoplastic syndrome; Neoplastic Syndromes, Hereditary. Identifiers: Orphanet 140162, MedGen C0027672, MeSH D009386, MONDO:0015356.
POLD1-related polyposis and colorectal cancer syndrome (CRCS10). Also called: Colorectal cancer 10; COLORECTAL CANCER, SUSCEPTIBILITY TO, ON CHROMOSOME 19q; Colorectal cancer, susceptibility to, 10. Identifiers: Orphanet 220460, MedGen C2675481, MONDO:0012953, OMIM 612591.

Allele frequency attached by ClinVar (database versions not stated): gnomAD exomes below 0.00001; TOPMed below 0.00001.

Submissions (2):

Labcorp Genetics (formerly Invitae), Labcorp
Classification: Uncertain significance for POLD1-related polyposis and colorectal cancer syndrome. Last evaluated: 2025-08-21. Review status: criteria provided, single submitter. Criteria: Invitae Variant Classification Sherloc (09022015). Collection method: clinical testing. Allele origin: germline.
Comment: This variant, c.43_44insTTG, is a complex sequence change that results in the deletion of proline and insertion of two amino acid(s) in the POLD1 protein (p.Pro15delinsLeuAla). This variant is not present in population databases (gnomAD no frequency). This variant has not been reported in the literature in individuals affected with POLD1-related conditions. ClinVar contains an entry for this variant (Variation ID: 847274). Experimental studies and prediction algorithms are not available or were not evaluated, and the functional significance of this variant is currently unknown. In summary, the available evidence is currently insufficient to determine the role of this variant in disease. Therefore, it has been classified as a Variant of Uncertain Significance.

Ambry Genetics
Classification: Uncertain significance for Hereditary cancer-predisposing syndrome. Last evaluated: 2020-05-28. Review status: criteria provided, single submitter. Criteria: Ambry Variant Classification Scheme 2023. Collection method: clinical testing. Allele origin: germline.
Comment: The c.43_44insTTG variant (also known as p.P15delinsLA), located in coding exon 1 of the POLD1 gene, results from an in-frame TTG insertion at nucleotide positions 43 to 44. This results in the replacement of the proline at codon 15 with the insertion of a leucine and an alanine. This amino acid position is well conserved in available vertebrate species. In addition, this alteration is predicted to be inconclusive by in silico analysis (Choi Y et al. PLoS ONE. 2012; 7(10):e46688). Since supporting evidence is limited at this time, the clinical significance of this alteration remains unclear.